The following is an entry in ClinVar:

ClinVar aggregate classification (germline): Benign. Review status: criteria provided, multiple submitters, no conflicts (2 of 4 stars). 2 submissions from 2 submitters: Benign (2). Last evaluated 2017-04-27.

Conditions:
Growth delay due to insulin-like growth factor I resistance. Also called: Insulin-Like Growth Factor I Resistance; Somatomedin end-organ insensitivity to; Somatomedin-c resistance to; IGF-1 resistance; IGF-I RESISTANCE. Identifiers: Orphanet 73273, MedGen C1849157, MONDO:0010038, OMIM 270450.

Allele frequency attached by ClinVar (database versions not stated): 1000 Genomes Project 0.01358; 1000 Genomes Project 30x 0.01390; gnomAD exomes 0.01771; gnomAD 0.01832 and 0.01887; TOPMed 0.01860.
gnomAD v4.1: 4,261 of 233,648 alleles (1.8%); highest among the groups gnomAD compares: Middle Eastern, 3.7%; 48 homozygotes.

Submissions (2):

Illumina Laboratory Services, Illumina
Classification: Benign for Growth delay due to insulin-like growth factor I resistance. Last evaluated: 2017-04-27. Review status: criteria provided, single submitter. Criteria: ICSL Variant Classification Criteria 13 December 2019. Collection method: clinical testing. Allele origin: germline.
Comment: This variant was observed as part of a predisposition screen in an ostensibly healthy population. A literature search was performed for the gene, cDNA change, and amino acid change (where applicable). Publications were found based on this search. The evidence from the literature, in combination with allele frequency data from public databases where available, was sufficient to rule this variant out of causing disease. Therefore, this variant is classified as benign.

Breakthrough Genomics
Classification: Benign. Review status: criteria provided, single submitter. Criteria: ACMG Guidelines, 2015. Collection method: not provided. Allele origin: germline. Inheritance: Autosomal dominant inheritance. Affected: yes.

Literature cited by the submitters: PubMed 25743390 (cited by Illumina Laboratory Services, Illumina); PubMed 23549953 (cited by Illumina Laboratory Services, Illumina); PubMed 25628647 (cited by Illumina Laboratory Services, Illumina).

NM_000875.5(IGF1R):c.*5157A>G

Gene: IGF1R (insulin like growth factor 1 receptor; plus strand). Cytogenetic location: 15q26.3.
Variant type: single nucleotide variant.
Coding change: c.*5157A>G on transcript NM_000875.5 (MANE Select); 5157 bases downstream of the stop codon, A replaced by G.
Molecular consequence: 3 prime UTR variant.
Genome position (GRCh38, 1-based): chr15:98,962,599, A>G. VCF-style: chr15-98962599-A-G. GRCh37 (hg19) VCF-style: chr15-99505828-A-G.
Other names: c.*5157A>G (NM_001291858.2).
Identifiers: ClinVar variation 885318 (VCV000885318.5), dbSNP rs28674628, ClinGen allele CA275340036.
Genomic context (GRCh38, chr15:98,962,599, plus strand): 5'-ACAGGTCAGAGGGTTTCATTTTTGGCCTTCATCTTAGATGACTGGTTGCGTCATTTGGAG[A>G]AGTGAGTGCTCCTTGATGGTGGAATGACCGGGTGGTGGGTACAGAACCATTGTCACAGGG-3'